The following is an entry in ClinVar:

ClinVar aggregate classification (germline): Uncertain significance. Review status: criteria provided, multiple submitters, no conflicts (2 of 4 stars). 5 submissions from 5 submitters: Uncertain significance (4). 1 of the submissions does not count toward it. Last evaluated 2024-09-18.

Conditions:
Marfan syndrome (MFS). Also called: Marfan syndrome, classic; Marfan syndrome type 1; Marfan's syndrome; FBN1-Related Marfan Syndrome; MARFAN SYNDROME, TYPE I. Identifiers: Orphanet 284963, Orphanet 558, MedGen C0024796, MONDO:0007947, OMIM 154700.
Weill-Marchesani syndrome 2, dominant. Also called: FBN1-Related Weill-Marchesani Syndrome; Weill-Marchesani Syndrome, Autosomal Dominant. Identifiers: Orphanet 2084, MedGen C1869115, MONDO:0012013, OMIM 608328.
Progeroid and marfanoid aspect-lipodystrophy syndrome. Also called: MARFANOID-PROGEROID SYNDROME; MARFAN-PROGEROID-LIPODYSTROPHY SYNDROME; Marfan lipodystrophy syndrome; MARFANOID-PROGEROID-LIPODYSTROPHY SYNDROME. Identifiers: Orphanet 300382, MedGen C4310796, MONDO:0014831, OMIM 616914.
Acromicric dysplasia (ACMICD). Also called: Acromicric skeletal dysplasia. Identifiers: Orphanet 969, MedGen C0265287, MONDO:0007055, OMIM 102370.
Ectopia lentis 1, isolated, autosomal dominant (ECTOL1). Identifiers: Orphanet 1885, MedGen C3541518, MONDO:0007514, OMIM 129600.
Geleophysic dysplasia 2 (GPHYSD2). Identifiers: Orphanet 2623, MedGen C3280054, MONDO:0013612, OMIM 614185.
MASS syndrome (OCTD). Also called: OVERLAP CONNECTIVE TISSUE DISEASE; MASS PHENOTYPE. Identifiers: MedGen C1858556, MONDO:0011431, OMIM 604308.
Stiff skin syndrome (SSKS). Identifiers: Orphanet 2833, MedGen C1861456, MONDO:0008492, OMIM 184900.
Familial thoracic aortic aneurysm and aortic dissection (TAAD). Also called: Thoracic aortic aneurysms and dissections. Identifiers: Orphanet 91387, MedGen C4707243, MONDO:0019625.

Allele frequency attached by ClinVar (database versions not stated): TOPMed 0.00001; gnomAD exomes 0.00002; ExAC 0.00002; gnomAD 0.00001.
gnomAD v4.1: 31 of 1,613,468 alleles (0.0019%); highest among the groups gnomAD compares: East Asian, 0.018%; no homozygotes.

Submissions (5):

Labcorp Genetics (formerly Invitae), Labcorp
Classification: Uncertain significance for Marfan syndrome; Familial thoracic aortic aneurysm and aortic dissection. Last evaluated: 2024-09-18. Review status: criteria provided, single submitter. Criteria: Invitae Variant Classification Sherloc (09022015). Collection method: clinical testing. Allele origin: germline.
Comment: This sequence change replaces arginine, which is basic and polar, with histidine, which is basic and polar, at codon 2242 of the FBN1 protein (p.Arg2242His). This variant is present in population databases (rs773084230, gnomAD 0.01%). This missense change has been observed in individual(s) with acute aortic dissection (PMID: 30542390). ClinVar contains an entry for this variant (Variation ID: 925197). Invitae Evidence Modeling of protein sequence and biophysical properties (such as structural, functional, and spatial information, amino acid conservation, physicochemical variation, residue mobility, and thermodynamic stability) has been performed for this missense variant. However, the output from this modeling did not meet the statistical confidence thresholds required to predict the impact of this variant on FBN1 protein function. In summary, the available evidence is currently insufficient to determine the role of this variant in disease. Therefore, it has been classified as a Variant of Uncertain Significance.

Color Diagnostics, LLC DBA Color Health
Classification: Uncertain significance for Familial thoracic aortic aneurysm and aortic dissection. Last evaluated: 2023-12-05. Review status: criteria provided, single submitter. Criteria: ACMG Guidelines, 2015. Collection method: clinical testing. Allele origin: germline.
Comment: This missense variant replaces arginine with histidine at codon 2242 of the FBN1 protein. Computational prediction tool indicates that this variant may have an uncertain impact on protein structure and function. To our knowledge, functional studies have not been reported for this variant. This variant has not been reported in individuals affected with FBN1-related disorders in the literature. This variant has been identified in 5/282394 chromosomes in the general population by the Genome Aggregation Database (gnomAD). The available evidence is insufficient to determine the role of this variant in disease conclusively. Therefore, this variant is classified as a Variant of Uncertain Significance.

All of Us Research Program, National Institutes of Health
Classification: Uncertain significance for Marfan syndrome. Last evaluated: 2023-12-01. Review status: criteria provided, single submitter. Criteria: ACMG Guidelines, 2015. Collection method: clinical testing. Allele origin: germline. Inheritance: Autosomal dominant inheritance. Observed: 2 variant alleles, 2 heterozygotes.
Comment: This missense variant replaces arginine with histidine at codon 2242 of the FBN1 protein. Computational prediction is inconclusive regarding the impact of this variant on protein structure and function (internally defined REVEL score threshold 0.5 < inconclusive < 0.7, PMID: 27666373). To our knowledge, functional studies have not been reported for this variant. This variant has been reported in an individual affected with acute aortic dissection, who also carried a pathogenic variant in the same gene (PMID: 30542390). This variant has been identified in 5/282394 chromosomes in the general population by the Genome Aggregation Database (gnomAD). The available evidence is insufficient to determine the role of this variant in disease conclusively. Therefore, this variant is classified as a Variant of Uncertain Significance.

This study involves interpretation of variants in research participants for the purpose of population health screening. Participant phenotype was not available at the time of variant classification. Additional details can be found in publication PMID: 35346344, PMCID: PMC8962531

Fulgent Genetics
Classification: Uncertain significance for Acromicric dysplasia; Ectopia lentis 1, isolated, autosomal dominant; Marfan syndrome; Stiff skin syndrome; MASS syndrome; Weill-Marchesani syndrome 2, dominant; Geleophysic dysplasia 2; Progeroid and marfanoid aspect-lipodystrophy syndrome. Last evaluated: 2021-12-06. Review status: criteria provided, single submitter. Criteria: ACMG Guidelines, 2015. Collection method: clinical testing. Allele origin: unknown.

Department of Laboratory Medicine and Genetics, Samsung Medical Center
Classification: Uncertain significance for Marfan syndrome. Last evaluated: 2025-01-02. Review status: no assertion criteria provided. Collection method: clinical testing. Allele origin: germline. Not counted in ClinVar's aggregate classification.
Comment: The NM_000138.5:c.6725G>A is considered to be not rare in the general population database (gnomAD v2.1.1). In summary, the available evidence is currently insufficient to evaluate the pathogenicity of this variant, resulting its classification as a variant of uncertain significance (BS1).

Literature cited by the submitters: PubMed 30542390 (cited by 3 submitters); PubMed 34426522 (cited by Department of Laboratory Medicine and Genetics, Samsung Medical Center); PubMed 37558401 (cited by Department of Laboratory Medicine and Genetics, Samsung Medical Center).

NM_000138.5(FBN1):c.6725G>A (p.Arg2242His)

Gene: FBN1 (fibrillin 1; minus strand). Cytogenetic location: 15q21.1.
Variant type: single nucleotide variant.
Coding change: c.6725G>A on transcript NM_000138.5 (MANE Select); coding-DNA position 6725, G replaced by A.
Protein change: p.Arg2242His; replaces arginine 2242 with histidine.
Molecular consequence: missense variant.
Genome position (GRCh38, 1-based): chr15:48,432,880, C>T on the plus strand (G>A on the coding strand, the complement: FBN1 is on the minus strand). VCF-style: chr15-48432880-C-T. GRCh37 (hg19) VCF-style: chr15-48725077-C-T.
Other names: short protein forms R2242H.
Identifiers: ClinVar variation 925197 (VCV000925197.10), dbSNP rs773084230, ClinGen allele CA057281.